The following is an entry in ClinVar:

ClinVar aggregate classification (germline): Uncertain significance (1 of 4 stars; one submission).

Conditions:
Gastrointestinal stromal tumor. Also called: Gastrointestinal stroma tumor; Gastrointestinal stromal tumor, somatic. Identifiers: Orphanet 44890, MedGen C0238198, MeSH D046152, MONDO:0011719, OMIM 606764, HP:0100723.

Submission:

Labcorp Genetics (formerly Invitae), Labcorp
Classification: Uncertain significance for Gastrointestinal stromal tumor. Last evaluated: 2020-12-04. Review status: criteria provided, single submitter. Criteria: Invitae Variant Classification Sherloc (09022015). Collection method: clinical testing. Allele origin: germline.
Comment: This variant has not been reported in the literature in individuals with PDGFRA-related conditions. This variant is not present in population databases (ExAC no frequency). This sequence change affects codon 439 of the PDGFRA mRNA. It is a 'silent' change, meaning that it does not change the encoded amino acid sequence of the PDGFRA protein. Algorithms developed to predict the effect of sequence changes on RNA splicing suggest that this variant may create or strengthen a splice site, but this prediction has not been confirmed by published transcriptional studies. In summary, the available evidence is currently insufficient to determine the role of this variant in disease. Therefore, it has been classified as a Variant of Uncertain Significance.

NM_006206.6(PDGFRA):c.1317C>T (p.Gly439=)

Gene: PDGFRA (platelet derived growth factor receptor alpha; plus strand). Cytogenetic location: 4q12.
Variant type: single nucleotide variant.
Coding change: c.1317C>T on transcript NM_006206.6 (MANE Select); coding-DNA position 1317, C replaced by T.
Protein change: p.Gly439=; no amino-acid change (glycine 439 retained).
Molecular consequence: synonymous variant.
Genome position (GRCh38, 1-based): chr4:54,272,473, C>T. VCF-style: chr4-54272473-C-T. GRCh37 (hg19) VCF-style: chr4-55138640-C-T.
Other names: c.1317C>T, p.Gly439= (NM_001347827.2, NM_001347829.2); c.1392C>T, p.Gly464= (NM_001347828.2); c.1356C>T, p.Gly452= (NM_001347830.2).
Identifiers: ClinVar variation 1353817 (VCV001353817.8), dbSNP rs2110287255, ClinGen allele CA439286941.